The following is an entry in ClinVar:

ClinVar aggregate classification (germline): Conflicting classifications of pathogenicity. Review status: criteria provided, conflicting classifications (1 of 4 stars). 6 submissions from 6 submitters: Uncertain significance (1); Likely benign (5). Last evaluated 2025-05-13.

Conditions:
Cardiovascular phenotype. Identifiers: MedGen CN230736.
Hypertrophic cardiomyopathy. Also called: HYPERTROPHIC MYOCARDIOPATHY. Identifiers: Orphanet 217569, MedGen C0007194, MeSH D002312, MONDO:0005045, HP:0001639.
Cardiomyopathy (CMYO). Also called: Cardiomyopathies. Identifiers: Orphanet 167848, MedGen C0878544, MONDO:0004994, HP:0001638. Inheritance: Various modes of inheritance.

Allele frequency attached by ClinVar (database versions not stated): gnomAD 0.00001; TOPMed 0.00001; ExAC 0.00002; gnomAD exomes 0.00003.
gnomAD v4.1: 44 of 1,611,974 alleles (0.0027%); highest among the groups gnomAD compares: Non-Finnish European, 0.0034%; no homozygotes.

Submissions (6):

Labcorp Genetics (formerly Invitae), Labcorp
Classification: Likely benign for Hypertrophic cardiomyopathy. Last evaluated: 2025-05-13. Review status: criteria provided, single submitter. Criteria: Invitae Variant Classification Sherloc (09022015). Collection method: clinical testing. Allele origin: germline.

All of Us Research Program, National Institutes of Health
Classification: Likely benign for Hypertrophic cardiomyopathy. Last evaluated: 2024-02-05. Review status: criteria provided, single submitter. Criteria: ACMG Guidelines, 2015. Collection method: clinical testing. Allele origin: germline. Inheritance: Autosomal dominant inheritance. Observed: 8 variant alleles, 8 heterozygotes.
Comment: This study involves interpretation of variants in research participants for the purpose of population health screening. Participant phenotype was not available at the time of variant classification. Additional details can be found in publication PMID: 35346344, PMCID: PMC8962531

Blueprint Genetics
Classification: Likely benign. Last evaluated: 2023-11-10. Review status: criteria provided, single submitter. Criteria: ACMG Guidelines, 2015. Collection method: clinical testing. Allele origin: germline.

Ambry Genetics
Classification: Likely benign for Cardiovascular phenotype. Last evaluated: 2022-06-27. Review status: criteria provided, single submitter. Criteria: Ambry Variant Classification Scheme 2023. Collection method: clinical testing. Allele origin: germline.

Color Diagnostics, LLC DBA Color Health
Classification: Likely benign for Cardiomyopathy. Last evaluated: 2018-11-16. Review status: criteria provided, single submitter. Criteria: ACMG Guidelines, 2015. Collection method: clinical testing. Allele origin: germline.

CHEO Genetics Diagnostic Laboratory, Children's Hospital of Eastern Ontario
Classification: Uncertain significance for Cardiomyopathy. Last evaluated: 2016-03-09. Review status: criteria provided, single submitter. Criteria: ACMG Guidelines, 2015. Collection method: clinical testing. Allele origin: germline. Study: Canadian Open Genetics Repository.

NM_000256.3(MYBPC3):c.2034T>C (p.Ala678=)

Gene: MYBPC3 (myosin binding protein C3; minus strand). Cytogenetic location: 11p11.2.
Variant type: single nucleotide variant.
Coding change: c.2034T>C on transcript NM_000256.3 (MANE Select); coding-DNA position 2034, T replaced by C.
Protein change: p.Ala678=; no amino-acid change (alanine 678 retained).
Molecular consequence: synonymous variant.
Genome position (GRCh38, 1-based): chr11:47,339,684, A>G on the plus strand (T>C on the coding strand, the complement: MYBPC3 is on the minus strand). VCF-style: chr11-47339684-A-G. GRCh37 (hg19) VCF-style: chr11-47361235-A-G.
Other names: c.2034T>C, p.Ala678= (LRG_386t1).
Identifiers: ClinVar variation 626764 (VCV000626764.19), dbSNP rs757832991, ClinGen allele CA078484.
Genomic context (GRCh38, chr11:47,339,684, plus strand): 5'-GGGAGACTGAGGAGGGACCCACAGTACCTGCGTGATAGCCTTCTGCCAGATCACAGTGGG[A>G]GCAGGGTCCCCAGAGATAGGGACGTCCAGACGTAGCTTATTTCCAGCTACAACCACAATG-3'
Protein context (NP_000247.2, residues 668-688): RLDVPISGDP[Ala678=]PTVIWQKAIT